The following is an entry in ClinVar:

NM_213622.4(STAMBP):c.133C>T (p.Arg45Ter)

Genes: STAMBP (STAM binding protein; plus strand), LOC126806253 (CDK7 strongly-dependent group 2 enhancer GRCh37_chr2:74057585-74058784; plus strand). Cytogenetic location: 2p13.1.
Variant type: single nucleotide variant.
Coding change: c.133C>T on transcript NM_213622.4 (MANE Select); coding-DNA position 133, C replaced by T.
Protein change: p.Arg45Ter; replaces arginine 45 with a stop codon.
Molecular consequence: nonsense. On other transcripts: 5 prime UTR variant (5), non-coding transcript variant (4), intron variant (1).
Genome position (GRCh38, 1-based): chr2:73,830,989, C>T. VCF-style: chr2-73830989-C-T. GRCh37 (hg19) VCF-style: chr2-74058116-C-T.
Other names: p.Arg45*; c.133C>T, p.Arg45Ter (NM_001353967.2, NM_001353968.2, NM_001353969.2 and 7 more transcripts); c.-421C>T (NM_001353971.2, NM_001353973.2, NM_001353974.2 and 2 more transcripts); c.-203+1993C>T (NM_001353972.2); short protein forms R45*.
Identifiers: ClinVar variation 4526658 (VCV004526658.2).

ClinVar aggregate classification (germline): Likely pathogenic. Review status: criteria provided, multiple submitters, no conflicts (2 of 4 stars). 2 submissions from 2 submitters: Likely pathogenic (2). Last evaluated 2025-11-04.

Conditions:
Microcephaly-capillary malformation syndrome (MICCAP). Identifiers: Orphanet 294016, MedGen C3280296, MONDO:0013659, OMIM 614261.

Submissions (2):

Department of Molecular Genetics, Istishari Arab Hospital
Classification: Likely pathogenic for Microcephaly-capillary malformation syndrome. Last evaluated: 2025-11-04. Review status: criteria provided, single submitter. Criteria: ACMG Guidelines, 2015. Collection method: clinical testing. Allele origin: germline. Inheritance: Autosomal recessive inheritance. Affected: yes.
Comment: The STAMBP variant c.133C>T, p.Arg45* creates a premature stop codon at position 45. This stop-gained (nonsense) variant is predicted to result in a loss or disruption of normal protein function through nonsense-mediated decay (NMD) or protein truncation. This variant is observed with very low frequency in the gnomAD v4.1.0 dataset (<0.001) and has not been previously described in the literature. It is classified as likely pathogenic (class 2) according to the recommendations of ACMG/AMP/ClinGen SVI guidelines.

First Genomix Gene Laboratory, Genetic Diagnostics Department
Classification: Likely pathogenic for Microcephaly-capillary malformation syndrome. Last evaluated: 2025-09-26. Review status: criteria provided, single submitter. Criteria: ACMG Guidelines, 2015. Collection method: clinical testing. Allele origin: germline. Inheritance: Autosomal recessive inheritance. Affected: no. Observed: 1 variant allele.